The following is an entry in ClinVar:

ClinVar aggregate classification (germline): Uncertain significance (1 of 4 stars; one submission).

Submission:

Labcorp Genetics (formerly Invitae), Labcorp
Classification: Uncertain significance. Last evaluated: 2024-09-06. Review status: criteria provided, single submitter. Criteria: Invitae Variant Classification Sherloc (09022015). Collection method: clinical testing. Allele origin: germline.
Comment: This sequence change replaces leucine, which is neutral and non-polar, with proline, which is neutral and non-polar, at codon 717 of the EPHB4 protein (p.Leu717Pro). This variant is not present in population databases (gnomAD no frequency). This variant has not been reported in the literature in individuals affected with EPHB4-related conditions. Invitae Evidence Modeling of protein sequence and biophysical properties (such as structural, functional, and spatial information, amino acid conservation, physicochemical variation, residue mobility, and thermodynamic stability) indicates that this missense variant is expected to disrupt EPHB4 protein function with a positive predictive value of 80%. In summary, the available evidence is currently insufficient to determine the role of this variant in disease. Therefore, it has been classified as a Variant of Uncertain Significance.

NM_004444.5(EPHB4):c.2150T>C (p.Leu717Pro)

Gene: EPHB4 (EPH receptor B4; minus strand). Cytogenetic location: 7q22.1.
Variant type: single nucleotide variant.
Coding change: c.2150T>C on transcript NM_004444.5 (MANE Select); coding-DNA position 2150, T replaced by C.
Protein change: p.Leu717Pro; replaces leucine 717 with proline.
Molecular consequence: missense variant.
Genome position (GRCh38, 1-based): chr7:100,807,549, A>G on the plus strand (T>C on the coding strand, the complement: EPHB4 is on the minus strand). VCF-style: chr7-100807549-A-G. GRCh37 (hg19) VCF-style: chr7-100405171-A-G.
Other names: short protein forms L717P.
Identifiers: ClinVar variation 3664953 (VCV003664953.2).